The following is an entry in ClinVar:

NM_016111.4(TELO2):c.363G>A (p.Ala121=)

Gene: TELO2 (telomere maintenance 2; plus strand). Cytogenetic location: 16p13.3.
Variant type: single nucleotide variant.
Coding change: c.363G>A on transcript NM_016111.4 (MANE Select); coding-DNA position 363, G replaced by A.
Protein change: p.Ala121=; no amino-acid change (alanine 121 retained).
Molecular consequence: synonymous variant.
Genome position (GRCh38, 1-based): chr16:1,495,373, G>A. VCF-style: chr16-1495373-G-A. GRCh37 (hg19) VCF-style: chr16-1545374-G-A.
Other names: c.363G>A, p.Ala121= (NM_001351846.2).
Identifiers: ClinVar variation 3040594 (VCV003040594.2), dbSNP rs746430058, ClinGen allele CA7811614.

ClinVar aggregate classification (germline): Likely benign (0 of 4 stars; one submission).

Conditions:
TELO2-related disorder. Also called: TELO2-related condition.

Allele frequency attached by ClinVar (database versions not stated): TOPMed 0.00002; gnomAD 0.00003; gnomAD exomes 0.00004.
gnomAD v4.1: 57 of 1,560,494 alleles (0.0037%); highest among the groups gnomAD compares: East Asian, 0.0048%; no homozygotes.

Submission:

PreventionGenetics, part of Exact Sciences
Classification: Likely benign for TELO2-related condition. Last evaluated: 2019-10-28. Review status: no assertion criteria provided. Collection method: clinical testing. Allele origin: germline.
Comment: This variant is classified as likely benign based on ACMG/AMP sequence variant interpretation guidelines (Richards et al. 2015 PMID: 25741868, with internal and published modifications).